The following is an entry in ClinVar:

ClinVar aggregate classification (germline): Conflicting classifications of pathogenicity. Review status: criteria provided, conflicting classifications (1 of 4 stars). 3 submissions from 3 submitters: Pathogenic (1); Likely pathogenic (1); Uncertain significance (1). Last evaluated 2021-02-04.

Conditions:
Polyglucosan body myopathy type 1 (PGBM1). Also called: Polyglucosan body myopathy 1 with or without immunodeficiency; POLYGLUCOSAN BODY MYOPATHY WITHOUT IMMUNODEFICIENCY. Identifiers: Orphanet 329173, Orphanet 397937, MedGen C4014605, MONDO:0014389, OMIM 615895.
Inborn genetic diseases. Identifiers: MedGen C0950123, MeSH D030342.

Allele frequency attached by ClinVar (database versions not stated): gnomAD exomes below 0.00001; gnomAD 0.00001; TOPMed 0.00001.
gnomAD v4.1: 5 of 1,612,890 alleles (0.00031%); highest among the groups gnomAD compares: East Asian, 0.0022%; no homozygotes.

Submissions (3):

Ambry Genetics
Classification: Likely pathogenic for Inborn genetic diseases. Last evaluated: 2021-02-04. Review status: criteria provided, single submitter. Criteria: Ambry Variant Classification Scheme 2023. Collection method: clinical testing. Allele origin: germline.
Comment: The c.1411G>A (p.E471K) alteration is located in exon 11 (coding exon 11) of the RBCK1 gene. This alteration results from a G to A substitution at nucleotide position 1411, causing the glutamic acid (E) at amino acid position 471 to be replaced by a lysine (K). Based on data from the Genome Aggregation Database (gnomAD) database, the RBCK1 c.1411G>A alteration was observed in 0.0032% (1/31,308) of total alleles studied. The p.E471 amino acid is conserved in available vertebrate species. In a homozygous patient's skeletal muscle, protein levels were approximately 50% lower than observed levels in healthy controls (Chen, 2021). The p.E471K alteration is predicted to be deleterious by in silico analysis. Based on the available evidence, this alteration is classified as likely pathogenic.

Labcorp Genetics (formerly Invitae), Labcorp
Classification: Uncertain significance for Polyglucosan body myopathy type 1. Last evaluated: 2020-08-03. Review status: criteria provided, single submitter. Criteria: Invitae Variant Classification Sherloc (09022015). Collection method: clinical testing. Allele origin: germline.
Comment: In summary, the available evidence is currently insufficient to determine the role of this variant in disease. Therefore, it has been classified as a Variant of Uncertain Significance. Algorithms developed to predict the effect of missense changes on protein structure and function are either unavailable or do not agree on the potential impact of this missense change (SIFT: "Not Available"; PolyPhen-2: "Possibly Damaging"; Align-GVGD: "Not Available"). This variant has not been reported in the literature in individuals with RBCK1-related conditions. ClinVar contains an entry for this variant (Variation ID: 804223). This variant is not present in population databases (ExAC no frequency). This sequence change replaces glutamic acid with lysine at codon 471 of the RBCK1 protein (p.Glu471Lys). The glutamic acid residue is highly conserved and there is a small physicochemical difference between glutamic acid and lysine.

Neurology Institute, Anhui University of Chinese Medicine
Classification: Pathogenic for Polyglucosan body myopathy type 1. Last evaluated: 2019-01-25. Review status: criteria provided, single submitter. Criteria: ACMG Guidelines, 2015. Collection method: clinical testing. Allele origin: inherited. Inheritance: Autosomal recessive inheritance. Affected: yes. Observed: 1 homozygote.
Comment: In summary, the c.1411G>A:p.Glu471Lys variant meets our criteria to be classified an pathogenic.

Literature cited by the submitters: PubMed 33413275 (cited by Ambry Genetics).

NM_031229.4(RBCK1):c.1411G>A (p.Glu471Lys)

Gene: RBCK1 (RANBP2-type and C3HC4-type zinc finger containing 1; plus strand). Cytogenetic location: 20p13.
Variant type: single nucleotide variant.
Coding change: c.1411G>A on transcript NM_031229.4 (MANE Select); coding-DNA position 1411, G replaced by A.
Protein change: p.Glu471Lys; replaces glutamic acid 471 with lysine.
Molecular consequence: missense variant. On other transcripts: non-coding transcript variant (1).
Genome position (GRCh38, 1-based): chr20:429,053, G>A. VCF-style: chr20-429053-G-A. GRCh37 (hg19) VCF-style: chr20-409697-G-A.
Other names: c.901G>A, p.Glu301Lys (NM_001323956.2, NM_001323958.2); c.1285G>A, p.Glu429Lys (NM_006462.6); c.1411G>A (NM_031229.2); short protein forms E301K, E429K, E471K.
Identifiers: ClinVar variation 804223 (VCV000804223.13), dbSNP rs1342598444, ClinGen allele CA407938743.
Genomic context (GRCh38, chr20:429,053, plus strand): 5'-CAGATCGTGGTACAGAAGAAGGACGGCTGCGACTGGATCCGCTGCACCGTCTGCCACACC[G>A]AGATCTGCTGGGTCACCAAGGGCCCACGCTGGGGCCCTGGGGTGAGTCTTTGCTCGTGGT-3'
Protein context (NP_112506.2, residues 461-481): DWIRCTVCHT[Glu471Lys]ICWVTKGPRW